The following is an entry in ClinVar:

NM_015040.4(PIKFYVE):c.*210G>A

Gene: PIKFYVE (phosphoinositide kinase, FYVE-type zinc finger containing; plus strand). Cytogenetic location: 2q34.
Variant type: single nucleotide variant.
Coding change: c.*210G>A on transcript NM_015040.4 (MANE Select); 210 bases downstream of the stop codon, G replaced by A.
Molecular consequence: 3 prime UTR variant.
Genome position (GRCh38, 1-based): chr2:208,355,515, G>A. VCF-style: chr2-208355515-G-A. GRCh37 (hg19) VCF-style: chr2-209220239-G-A.
Identifiers: ClinVar variation 897456 (VCV000897456.5), dbSNP rs77542967, ClinGen allele CA64617538.

ClinVar aggregate classification (germline): Benign. Review status: criteria provided, multiple submitters, no conflicts (2 of 4 stars). 2 submissions from 2 submitters: Benign (2). Last evaluated 2018-01-13.

Conditions:
Fleck corneal dystrophy (CFD). Also called: CORNEAL DYSTROPHY, FRANCOIS-NEETENS SPECKLED OR FLECKED. Identifiers: Orphanet 98970, MedGen C1562113, MONDO:0007376, OMIM 121850.

Allele frequency attached by ClinVar (database versions not stated): gnomAD exomes 0.00163; TOPMed 0.01230; 1000 Genomes Project 0.01777; 1000 Genomes Project 30x 0.01889.
gnomAD v4.1: 2,329 of 487,296 alleles (0.48%); highest among the groups gnomAD compares: African/African-American, 4%; 42 homozygotes.

Submissions (2):

Illumina Laboratory Services, Illumina
Classification: Benign for Fleck corneal dystrophy. Last evaluated: 2018-01-13. Review status: criteria provided, single submitter. Criteria: ICSL Variant Classification Criteria 13 December 2019. Collection method: clinical testing. Allele origin: germline.
Comment: This variant was observed in the ICSL laboratory as part of a predisposition screen in an ostensibly healthy population. It had not been previously curated by ICSL or reported in the Human Gene Mutation Database (HGMD: prior to June 1st, 2018), and was therefore a candidate for classification through an automated scoring system. Utilizing variant allele frequency, disease prevalence and penetrance estimates, and inheritance mode, an automated score was calculated to assess if this variant is too frequent to cause the disease. Based on the score and internal cut-off values, a variant classified as benign is not then subjected to further curation. The score for this variant resulted in a classification of benign for this disease.

Breakthrough Genomics
Classification: Benign. Review status: criteria provided, single submitter. Criteria: ACMG Guidelines, 2015. Collection method: not provided. Allele origin: germline. Inheritance: Autosomal dominant inheritance. Affected: yes.